The following is an entry in ClinVar:

ClinVar aggregate classification (germline): Uncertain significance (1 of 4 stars; one submission).

Conditions:
Inborn genetic diseases. Identifiers: MedGen C0950123, MeSH D030342.

gnomAD v4.1: 1 of 1,612,704 alleles (0.000062%); no homozygotes.

Submission:

Ambry Genetics
Classification: Uncertain significance for Inborn genetic diseases. Last evaluated: 2026-02-17. Review status: criteria provided, single submitter. Criteria: Ambry Variant Classification Scheme 2023. Collection method: clinical testing. Allele origin: germline.
Comment: The c.2042T>C (p.V681A) alteration is located in exon 12 (coding exon 12) of the CTNND2 gene. This alteration results from a T to C substitution at nucleotide position 2042, causing the valine (V) at amino acid position 681 to be replaced by an alanine (A). Based on data from gnomAD, the C allele has an overall frequency of 0.003% (1/31406) total alleles studied. The highest observed frequency was <0.001% (/) of alleles. Based on insufficient or conflicting evidence, the clinical significance of this alteration remains unclear.

NM_001332.4(CTNND2):c.2042T>C (p.Val681Ala)

Gene: CTNND2 (catenin delta 2; minus strand). Cytogenetic location: 5p15.2.
Variant type: single nucleotide variant.
Coding change: c.2042T>C on transcript NM_001332.4 (MANE Select); coding-DNA position 2042, T replaced by C.
Protein change: p.Val681Ala; replaces valine 681 with alanine.
Molecular consequence: missense variant. On other transcripts: non-coding transcript variant (1).
Genome position (GRCh38, 1-based): chr5:11,159,693, A>G on the plus strand (T>C on the coding strand, the complement: CTNND2 is on the minus strand). VCF-style: chr5-11159693-A-G. GRCh37 (hg19) VCF-style: chr5-11159805-A-G.
Other names: c.1769T>C, p.Val590Ala (NM_001288715.1); c.1031T>C, p.Val344Ala (NM_001288716.1, NM_001364128.2); c.743T>C, p.Val248Ala (NM_001288717.2); short protein forms V344A, V590A, V681A, V248A.
Identifiers: ClinVar variation 4839966 (VCV004839966.1).